The following is an entry in ClinVar:

NM_138348.6(OTULIN):c.602G>T (p.Gly201Val)

Gene: OTULIN (OTU deubiquitinase with linear linkage specificity; plus strand). Cytogenetic location: 5p15.2.
Variant type: single nucleotide variant.
Coding change: c.602G>T on transcript NM_138348.6 (MANE Select); coding-DNA position 602, G replaced by T.
Protein change: p.Gly201Val; replaces glycine 201 with valine.
Molecular consequence: missense variant.
Genome position (GRCh38, 1-based): chr5:14,690,046, G>T. VCF-style: chr5-14690046-G-T. GRCh37 (hg19) VCF-style: chr5-14690155-G-T.
Other names: short protein forms G201V.
Identifiers: ClinVar variation 3659746 (VCV003659746.2).
Genomic context (GRCh38, chr5:14,690,046, plus strand): 5'-CCAGGGATTTTTAGAACAAAAATTCTAATTATTACATAACTTTCTTATTGTAGTGGGCAG[G>T]CTTGGCTGAAATGAGAACTGCTGAAGCAAGACAGATAGCTTGTGATGAACTATTCACAAA-3'
Protein context (NP_612357.4, residues 191-211): SLTLLRKKWA[Gly201Val]LAEMRTAEAR

ClinVar aggregate classification (germline): Uncertain significance (1 of 4 stars; one submission).

Submission:

Labcorp Genetics (formerly Invitae), Labcorp
Classification: Uncertain significance. Last evaluated: 2024-07-17. Review status: criteria provided, single submitter. Criteria: Invitae Variant Classification Sherloc (09022015). Collection method: clinical testing. Allele origin: germline.
Comment: This sequence change replaces glycine, which is neutral and non-polar, with valine, which is neutral and non-polar, at codon 201 of the OTULIN protein (p.Gly201Val). This variant is not present in population databases (gnomAD no frequency). This variant has not been reported in the literature in individuals affected with OTULIN-related conditions. Advanced modeling of protein sequence and biophysical properties (such as structural, functional, and spatial information, amino acid conservation, physicochemical variation, residue mobility, and thermodynamic stability) performed at Invitae indicates that this missense variant is not expected to disrupt OTULIN protein function with a negative predictive value of 80%. In summary, the available evidence is currently insufficient to determine the role of this variant in disease. Therefore, it has been classified as a Variant of Uncertain Significance.